The following is an entry in ClinVar:

ClinVar aggregate classification (germline): Uncertain significance (1 of 4 stars; one submission).

Conditions:
PPP1R9B-related disorder. Also called: PPP1R9B-related condition.

gnomAD v4.1: 1 of 1,461,028 alleles (0.000068%); highest among the groups gnomAD compares: Non-Finnish European, 0.00009%; no homozygotes.

Submission:

PreventionGenetics, part of Exact Sciences
Classification: Uncertain significance for PPP1R9B-related condition. Last evaluated: 2025-01-25. Review status: criteria provided, single submitter. Criteria: ACMG Guidelines, 2015. Collection method: clinical testing. Allele origin: germline.
Comment: The PPP1R9B c.317A>G variant is predicted to result in the amino acid substitution p.Asp106Gly. To our knowledge, this variant has not been reported in the literature or in a large population database (gnomAD), indicating this variant is rare. At this time, the clinical significance of this variant is uncertain due to the absence of conclusive functional and genetic evidence.

NM_032595.5(PPP1R9B):c.317A>G (p.Asp106Gly)

Gene: PPP1R9B (protein phosphatase 1 regulatory subunit 9B; minus strand). Cytogenetic location: 17q21.33.
Variant type: single nucleotide variant.
Coding change: c.317A>G on transcript NM_032595.5 (MANE Select); coding-DNA position 317, A replaced by G.
Protein change: p.Asp106Gly; replaces aspartic acid 106 with glycine.
Molecular consequence: missense variant.
Genome position (GRCh38, 1-based): chr17:50,150,197, T>C on the plus strand (A>G on the coding strand, the complement: PPP1R9B is on the minus strand). VCF-style: chr17-50150197-T-C. GRCh37 (hg19) VCF-style: chr17-48227558-T-C.
Other names: short protein forms D106G.
Identifiers: ClinVar variation 5001155 (VCV005001155.1).